The following is an entry in ClinVar:

NM_138395.4(MARS2):c.124G>A (p.Asp42Asn)

Gene: MARS2 (methionyl-tRNA synthetase 2, mitochondrial; plus strand). Cytogenetic location: 2q33.1.
Variant type: single nucleotide variant.
Coding change: c.124G>A on transcript NM_138395.4 (MANE Select); coding-DNA position 124, G replaced by A.
Protein change: p.Asp42Asn; replaces aspartic acid 42 with asparagine.
Molecular consequence: missense variant.
Genome position (GRCh38, 1-based): chr2:197,705,529, G>A. VCF-style: chr2-197705529-G-A. GRCh37 (hg19) VCF-style: chr2-198570253-G-A.
Other names: short protein forms D42N.
Identifiers: ClinVar variation 379723 (VCV000379723.40), dbSNP rs200490327, ClinGen allele CA2044515.

ClinVar aggregate classification (germline): Benign/Likely benign. Review status: criteria provided, multiple submitters, no conflicts (2 of 4 stars). 3 submissions from 3 submitters: Benign (2); Likely benign (1). Last evaluated 2026-07-01.

Allele frequency attached by ClinVar (database versions not stated): ExAC 0.00158; 1000 Genomes Project 30x 0.00390; 1000 Genomes Project 0.00419; gnomAD 0.00006 and 0.00042; TOPMed 0.00019; gnomAD exomes 0.00145.
gnomAD v4.1: 1,077 of 1,613,244 alleles (0.067%); highest among the groups gnomAD compares: South Asian, 0.84%; 17 homozygotes.

Submissions (3):

CeGaT Center for Human Genetics Tuebingen
Classification: Likely benign. Last evaluated: 2026-07-01. Review status: criteria provided, single submitter. Criteria: CeGaT Center For Human Genetics Tuebingen Variant Classification Criteria Version 2. Collection method: clinical testing. Allele origin: germline. Affected: yes. Observed: 5 variant alleles.
Comment: MARS2: BP4, BS2

Labcorp Genetics (formerly Invitae), Labcorp
Classification: Benign. Last evaluated: 2025-10-04. Review status: criteria provided, single submitter. Criteria: Invitae Variant Classification Sherloc (09022015). Collection method: clinical testing. Allele origin: germline.

GeneDx
Classification: Benign. Last evaluated: 2018-08-28. Review status: criteria provided, single submitter. Criteria: GeneDx Variant Classification Process June 2021. Collection method: clinical testing. Allele origin: germline. Affected: yes.